The following is an entry in ClinVar:

NM_005027.4(PIK3R2):c.684C>T (p.His228=)

Genes: PIK3R2 (phosphoinositide-3-kinase regulatory subunit 2; plus strand), LOC130063979 (ATAC-STARR-seq lymphoblastoid silent region 10375; plus strand). Cytogenetic location: 19p13.11.
Variant type: single nucleotide variant.
Coding change: c.684C>T on transcript NM_005027.4 (MANE Select); coding-DNA position 684, C replaced by T.
Protein change: p.His228=; no amino-acid change (histidine 228 retained).
Molecular consequence: synonymous variant. On other transcripts: non-coding transcript variant (1).
Genome position (GRCh38, 1-based): chr19:18,161,364, C>T. VCF-style: chr19-18161364-C-T. GRCh37 (hg19) VCF-style: chr19-18272174-C-T.
Identifiers: ClinVar variation 3239106 (VCV003239106.19), dbSNP rs544647015.

ClinVar aggregate classification (germline): Likely benign (1 of 4 stars; one submission).

Allele frequency attached by ClinVar (database versions not stated): gnomAD 0.00003; gnomAD exomes 0.00005; 1000 Genomes Project 0.00040; 1000 Genomes Project 30x 0.00078; ExAC 0.00538.
gnomAD v4.1: 61 of 1,278,840 alleles (0.0048%); highest among the groups gnomAD compares: South Asian, 0.15%; 1 homozygote.

Submission:

CeGaT Center for Human Genetics Tuebingen
Classification: Likely benign. Last evaluated: 2024-05-01. Review status: criteria provided, single submitter. Criteria: CeGaT Center For Human Genetics Tuebingen Variant Classification Criteria Version 2. Collection method: clinical testing. Allele origin: germline. Affected: yes. Observed: 1 variant allele.
Comment: PIK3R2: BP4, BP7